The following is an entry in ClinVar:

NM_024577.4(SH3TC2):c.*20773G>T

Gene: SH3TC2 (SH3 domain and tetratricopeptide repeats 2; minus strand). Cytogenetic location: 5q32.
Variant type: single nucleotide variant.
Coding change: c.*20773G>T on transcript NM_024577.4 (MANE Select); 20773 bases downstream of the stop codon, G replaced by T.
Molecular consequence: 3 prime UTR variant.
Genome position (GRCh38, 1-based): chr5:148,983,938, C>A on the plus strand (G>T on the coding strand, the complement: SH3TC2 is on the minus strand). VCF-style: chr5-148983938-C-A. GRCh37 (hg19) VCF-style: chr5-148363501-C-A.
Identifiers: ClinVar variation 351584 (VCV000351584.5), dbSNP rs113020040, ClinGen allele CA10623268.
Genomic context (GRCh38, chr5:148,983,938, plus strand): 5'-ATGAACAGGGAAAGCACATCCAAGAGATGGTGACATCTTTGAGGTACTATCAACCTGCTC[C>A]TGGAACCAGTGTGGTTTTTAAGTCACTTGAACCAATACATTTTTTTAAAATTACTTAAGC-3'

ClinVar aggregate classification (germline): Conflicting classifications of pathogenicity. Review status: criteria provided, conflicting classifications (1 of 4 stars). 2 submissions from 1 submitter: Uncertain significance (1); Likely benign (1). Last evaluated 2018-01-12.

Conditions:
Charcot-Marie-Tooth disease type 4C (CMT4C). Also called: CHARCOT-MARIE-TOOTH DISEASE, DEMYELINATING, AUTOSOMAL RECESSIVE, TYPE 4C; CMT 4C; Charcot-Marie-Tooth Neuropathy Type 4C (CMT4C); CHARCOT-MARIE-TOOTH DISEASE, DEMYELINATING, TYPE 4C; SH3TC2-Related Hereditary Motor and Sensory Neuropathy. Identifiers: Orphanet 99949, MedGen C1866636, MONDO:0011113, OMIM 601596.
Susceptibility to mononeuropathy of the median nerve, mild. Also called: CARPAL TUNNEL SYNDROME, SUSCEPTIBILITY TO. Identifiers: MedGen C3150596, MONDO:0013237, OMIM 613353.

Allele frequency attached by ClinVar (database versions not stated): 1000 Genomes Project 30x 0.00125; 1000 Genomes Project 0.00140; gnomAD 0.00151 and 0.00155; TOPMed 0.00161.
gnomAD v4.1: 226 of 152,300 alleles (0.15%); highest among the groups gnomAD compares: African/African-American, 0.54%; 4 homozygotes.

Submissions (2):

Illumina Laboratory Services, Illumina
Classification: Uncertain significance for Charcot-Marie-Tooth disease type 4C. Last evaluated: 2018-01-12. Review status: criteria provided, single submitter. Criteria: ICSL Variant Classification Criteria 13 December 2019. Collection method: clinical testing. Allele origin: germline.

Illumina Laboratory Services, Illumina
Classification: Likely benign for Susceptibility to mononeuropathy of the median nerve, mild. Last evaluated: 2018-01-12. Review status: criteria provided, single submitter. Criteria: ICSL Variant Classification Criteria 13 December 2019. Collection method: clinical testing. Allele origin: germline.
Comment: This variant was observed in the ICSL laboratory as part of a predisposition screen in an ostensibly healthy population. It had not been previously curated by ICSL or reported in the Human Gene Mutation Database (HGMD: prior to June 1st, 2018), and was therefore a candidate for classification through an automated scoring system. Utilizing variant allele frequency, disease prevalence and penetrance estimates, and inheritance mode, an automated score was calculated to assess if this variant is too frequent to cause the disease. Based on the score and internal cut-off values, a variant classified as likely benign is not then subjected to further curation. The score for this variant resulted in a classification of likely benign for this disease.